The following is an entry in ClinVar:

ClinVar aggregate classification (germline): Uncertain significance (1 of 4 stars; one submission).

Submission:

Labcorp Genetics (formerly Invitae), Labcorp
Classification: Uncertain significance. Last evaluated: 2022-09-01. Review status: criteria provided, single submitter. Criteria: Invitae Variant Classification Sherloc (09022015). Collection method: clinical testing. Allele origin: germline.
Comment: In summary, the available evidence is currently insufficient to determine the role of this variant in disease. Therefore, it has been classified as a Variant of Uncertain Significance. Algorithms developed to predict the effect of missense changes on protein structure and function (SIFT, PolyPhen-2, Align-GVGD) all suggest that this variant is likely to be disruptive. ClinVar contains an entry for this variant (Variation ID: 1360927). This variant has not been reported in the literature in individuals affected with GCLC-related conditions. This variant is not present in population databases (gnomAD no frequency). This sequence change replaces tyrosine, which is neutral and polar, with cysteine, which is neutral and slightly polar, at codon 53 of the GCLC protein (p.Tyr53Cys).

NM_001498.4(GCLC):c.158A>G (p.Tyr53Cys)

Gene: GCLC (glutamate-cysteine ligase catalytic subunit; minus strand). Cytogenetic location: 6p12.1.
Variant type: single nucleotide variant.
Coding change: c.158A>G on transcript NM_001498.4 (MANE Select); coding-DNA position 158, A replaced by G.
Protein change: p.Tyr53Cys; replaces tyrosine 53 with cysteine.
Molecular consequence: missense variant.
Genome position (GRCh38, 1-based): chr6:53,522,520, T>C on the plus strand (A>G on the coding strand, the complement: GCLC is on the minus strand). VCF-style: chr6-53522520-T-C. GRCh37 (hg19) VCF-style: chr6-53387318-T-C.
Other names: c.158A>G, p.Tyr53Cys (NM_001197115.2); short protein forms Y53C.
Identifiers: ClinVar variation 1360927 (VCV001360927.6), dbSNP rs2127625668, ClinGen allele CA364479852.